The following is an entry in ClinVar:

NC_000006.11:g.(?_129581836)_(129588384_?)del

Gene: LAMA2 (laminin subunit alpha 2; plus strand). Cytogenetic location: 6q22.33.
Variant type: Deletion.
Identifiers: ClinVar variation 2423057 (VCV002423057.5).

ClinVar aggregate classification (germline): Pathogenic (1 of 4 stars; one submission).

Conditions:
LAMA2-related muscular dystrophy (LAMA2-RD). Also called: Laminin alpha 2-related dystrophy. Identifiers: MedGen C5679788, MONDO:0100228.

Submission:

Labcorp Genetics (formerly Invitae), Labcorp
Classification: Pathogenic for LAMA2-related muscular dystrophy. Last evaluated: 2021-11-03. Review status: criteria provided, single submitter. Criteria: Invitae Variant Classification Sherloc (09022015). Collection method: clinical testing. Allele origin: germline.
Comment: This variant is a gross deletion of the genomic region encompassing exon(s) 15-16 of the LAMA2 gene. This deletion is out-of-frame, and is expected to create a premature termination codon and result in an absent or disrupted protein product. Loss-of-function variants in LAMA2 are known to be pathogenic (PMID: 18700894, 32904964). This variant has not been reported in the literature in individuals affected with LAMA2-related conditions. For these reasons, this variant has been classified as Pathogenic.

Literature cited by the submitters: PubMed 18700894; PubMed 32904964.